The following is an entry in ClinVar:

NM_004612.4(TGFBR1):c.1043G>A (p.Cys348Tyr)

Gene: TGFBR1 (transforming growth factor beta receptor 1; plus strand). Cytogenetic location: 9q22.33.
Variant type: single nucleotide variant.
Coding change: c.1043G>A on transcript NM_004612.4 (MANE Select); coding-DNA position 1043, G replaced by A.
Protein change: p.Cys348Tyr; replaces cysteine 348 with tyrosine.
Molecular consequence: missense variant. On other transcripts: non-coding transcript variant (4).
Genome position (GRCh38, 1-based): chr9:99,144,801, G>A. VCF-style: chr9-99144801-G-A. GRCh37 (hg19) VCF-style: chr9-101907083-G-A.
Other names: c.812G>A, p.Cys271Tyr (NM_001130916.3, NM_001407435.1); c.1055G>A, p.Cys352Tyr (NM_001306210.2); c.887G>A, p.Cys296Tyr (NM_001407416.1); c.875G>A, p.Cys292Tyr (NM_001407417.1); c.848G>A, p.Cys283Tyr (NM_001407418.1, NM_001407419.1, NM_001407420.1 and 1 more transcripts); c.836G>A, p.Cys279Tyr (NM_001407423.1, NM_001407424.1, NM_001407425.1 and 8 more transcripts); c.797G>A, p.Cys266Tyr (NM_001407436.1); c.335G>A, p.Cys112Tyr (NM_001407437.1); and 1 more; short protein forms C112Y, C271Y, C283Y, C352Y, C189Y, C266Y, C348Y, C279Y.
Identifiers: ClinVar variation 2972640 (VCV002972640.3), dbSNP rs2118805136, ClinGen allele CA374231434.

ClinVar aggregate classification (germline): Pathogenic (1 of 4 stars; one submission).

Conditions:
Familial thoracic aortic aneurysm and aortic dissection (TAAD). Also called: Thoracic aortic aneurysms and dissections. Identifiers: Orphanet 91387, MedGen C4707243, MONDO:0019625.

Submission:

Labcorp Genetics (formerly Invitae), Labcorp
Classification: Pathogenic for Familial thoracic aortic aneurysm and aortic dissection. Last evaluated: 2023-11-29. Review status: criteria provided, single submitter. Criteria: Invitae Variant Classification Sherloc (09022015). Collection method: clinical testing. Allele origin: germline.
Comment: This sequence change replaces cysteine, which is neutral and slightly polar, with tyrosine, which is neutral and polar, at codon 348 of the TGFBR1 protein (p.Cys348Tyr). This variant is not present in population databases (gnomAD no frequency). This missense change has been observed in individual(s) with Loeys-Dietz syndrome (PMID: 31475485). It has also been observed to segregate with disease in related individuals. Advanced modeling of protein sequence and biophysical properties (such as structural, functional, and spatial information, amino acid conservation, physicochemical variation, residue mobility, and thermodynamic stability) has been performed at Invitae for this missense variant, however the output from this modeling did not meet the statistical confidence thresholds required to predict the impact of this variant on TGFBR1 protein function. For these reasons, this variant has been classified as Pathogenic.

Literature cited by the submitters: PubMed 31475485.